The following is an entry in ClinVar:

NM_001282426.2(PIK3CG):c.1002C>T (p.Gly334=)

Gene: PIK3CG (phosphatidylinositol-4,5-bisphosphate 3-kinase catalytic subunit gamma; plus strand). Cytogenetic location: 7q22.3.
Variant type: single nucleotide variant.
Coding change: c.1002C>T on transcript NM_001282426.2 (MANE Select); coding-DNA position 1002, C replaced by T.
Protein change: p.Gly334=; no amino-acid change (glycine 334 retained).
Molecular consequence: synonymous variant.
Genome position (GRCh38, 1-based): chr7:106,868,563, C>T. VCF-style: chr7-106868563-C-T. GRCh37 (hg19) VCF-style: chr7-106509008-C-T.
Other names: c.1002C>T, p.Gly334= (NM_001282427.2, NM_002649.3).
Identifiers: ClinVar variation 3025030 (VCV003025030.22), dbSNP rs140329142, ClinGen allele CA4429297.

ClinVar aggregate classification (germline): Likely benign (1 of 4 stars; one submission).

Allele frequency attached by ClinVar (database versions not stated): TOPMed 0.00047; gnomAD exomes 0.00049; gnomAD 0.00052; ExAC 0.00054; ESP Exome Variant Server 0.00062.
gnomAD v4.1: 809 of 1,614,032 alleles (0.05%); highest among the groups gnomAD compares: Middle Eastern, 0.3%; 4 homozygotes.

Submission:

CeGaT Center for Human Genetics Tuebingen
Classification: Likely benign. Last evaluated: 2024-01-01. Review status: criteria provided, single submitter. Criteria: CeGaT Center For Human Genetics Tuebingen Variant Classification Criteria Version 2. Collection method: clinical testing. Allele origin: germline. Affected: yes. Observed: 1 variant allele.
Comment: PIK3CG: BP4, BS2